The following is an entry in ClinVar:

NM_002693.3(POLG):c.156G>C (p.Gln52His)

Genes: POLG (DNA polymerase gamma, catalytic subunit; minus strand), POLGARF (POLG alternative reading frame; minus strand). Cytogenetic location: 15q26.1.
Variant type: single nucleotide variant.
Coding change: c.156G>C on transcript NM_002693.3 (MANE Select); coding-DNA position 156, G replaced by C.
Protein change: p.Gln52His; replaces glutamine 52 with histidine.
Molecular consequence: missense variant.
Genome position (GRCh38, 1-based): chr15:89,333,599, C>G on the plus strand (G>C on the coding strand, the complement: POLG is on the minus strand). VCF-style: chr15-89333599-C-G. GRCh37 (hg19) VCF-style: chr15-89876830-C-G.
Other names: c.156G>C, p.Gln52His (NM_001126131.2); short protein forms Q52H.
Identifiers: ClinVar variation 1212130 (VCV001212130.11), dbSNP rs587781117, ClinGen allele CA7725182.

ClinVar aggregate classification (germline): Uncertain significance. Review status: criteria provided, multiple submitters, no conflicts (2 of 4 stars). 3 submissions from 3 submitters: Uncertain significance (3). Last evaluated 2025-08-29.

Conditions:
Inborn genetic diseases. Identifiers: MedGen C0950123, MeSH D030342.
Progressive sclerosing poliodystrophy (MTDPS4A). Also called: ALPERS PROGRESSIVE INFANTILE POLIODYSTROPHY; Alpers-Huttenlocher Syndrome (AHS); NEURONAL DEGENERATION OF CHILDHOOD WITH LIVER DISEASE, PROGRESSIVE; Mitochondrial DNA depletion syndrome 4A (Alpers type); Mitochondrial DNA Depletion Syndrome 4A; Alpers Syndrome. Identifiers: Orphanet 726, MedGen C0205710, MONDO:0008758, OMIM 203700.

Allele frequency attached by ClinVar (database versions not stated): TOPMed 0.00002.
gnomAD v4.1: 26 of 1,343,820 alleles (0.0019%); highest among the groups gnomAD compares: Non-Finnish European, 0.0024%; no homozygotes.

Submissions (3):

Ambry Genetics
Classification: Uncertain significance for Inborn genetic diseases. Last evaluated: 2025-08-29. Review status: criteria provided, single submitter. Criteria: Ambry Variant Classification Scheme 2023. Collection method: clinical testing. Allele origin: germline.

Labcorp Genetics (formerly Invitae), Labcorp
Classification: Uncertain significance for Progressive sclerosing poliodystrophy. Last evaluated: 2022-05-24. Review status: criteria provided, single submitter. Criteria: Invitae Variant Classification Sherloc (09022015). Collection method: clinical testing. Allele origin: germline.
Comment: This sequence change replaces glutamine, which is neutral and polar, with histidine, which is basic and polar, at codon 52 of the POLG protein (p.Gln52His). The frequency data for this variant in the population databases is considered unreliable, as metrics indicate poor data quality at this position in the gnomAD database. This variant has not been reported in the literature in individuals affected with POLG-related conditions. ClinVar contains an entry for this variant (Variation ID: 1212130). Algorithms developed to predict the effect of missense changes on protein structure and function are either unavailable or do not agree on the potential impact of this missense change (SIFT: "Deleterious"; PolyPhen-2: "Benign"; Align-GVGD: "Class C0"). In summary, the available evidence is currently insufficient to determine the role of this variant in disease. Therefore, it has been classified as a Variant of Uncertain Significance.

GeneDx
Classification: Uncertain significance. Last evaluated: 2020-04-02. Review status: criteria provided, single submitter. Criteria: GeneDx Variant Classification Process June 2021. Collection method: clinical testing. Allele origin: germline. Affected: yes.
Comment: Has not been previously published as pathogenic or benign to our knowledge; In silico analysis supports that this missense variant does not alter protein structure/function